The following is an entry in ClinVar:

ClinVar aggregate classification (germline): Uncertain significance (1 of 4 stars; one submission).

Conditions:
Inborn genetic diseases. Identifiers: MedGen C0950123, MeSH D030342.

gnomAD v4.1: 4 of 1,610,904 alleles (0.00025%); highest among the groups gnomAD compares: Non-Finnish European, 0.00034%; no homozygotes.

Submission:

Ambry Genetics
Classification: Uncertain significance for Inborn genetic diseases. Last evaluated: 2024-11-28. Review status: criteria provided, single submitter. Criteria: Ambry Variant Classification Scheme 2023. Collection method: clinical testing. Allele origin: germline.
Comment: The p.R91L variant (also known as c.272G>T), located in coding exon 3 of the ELANE gene, results from a G to T substitution at nucleotide position 272. The arginine at codon 91 is replaced by leucine, an amino acid with dissimilar properties. This amino acid position is conserved. In addition, this alteration is predicted to be tolerated by in silico analysis. Based on the available evidence, the clinical significance of this variant remains unclear.

NM_001972.4(ELANE):c.272G>T (p.Arg91Leu)

Gene: ELANE (elastase, neutrophil expressed; plus strand). Cytogenetic location: 19p13.3.
Variant type: single nucleotide variant.
Coding change: c.272G>T on transcript NM_001972.4 (MANE Select); coding-DNA position 272, G replaced by T.
Protein change: p.Arg91Leu; replaces arginine 91 with leucine.
Molecular consequence: missense variant.
Genome position (GRCh38, 1-based): chr19:853,309, G>T. VCF-style: chr19-853309-G-T. GRCh37 (hg19) VCF-style: chr19-853309-G-T.
Other names: short protein forms R91L.
Identifiers: ClinVar variation 3507764 (VCV003507764.1).
Genomic context (GRCh38, chr19:853,309, plus strand): 5'-CCCTCCCCGGCAGAAACGTCCGCGCGGTGCGGGTGGTCCTGGGAGCCCATAACCTCTCGC[G>T]GCGGGAGCCCACCCGGCAGGTGTTCGCCGTGCAGCGCATCTTCGAAAACGGCTACGACCC-3'
Protein context (NP_001963.1, residues 81-101): RVVLGAHNLS[Arg91Leu]REPTRQVFAV